The following is an entry in ClinVar:

ClinVar aggregate classification (germline): Uncertain significance. Review status: criteria provided, multiple submitters, no conflicts (2 of 4 stars). 7 submissions from 7 submitters: Uncertain significance (6). 1 of the submissions does not count toward it. Last evaluated 2025-12-01.

Conditions:
Inborn genetic diseases. Identifiers: MedGen C0950123, MeSH D030342.
Nemaline myopathy 2 (NEM2). Also called: Nemaline myopathy 2, autosomal recessive. Identifiers: MedGen C1850569, MONDO:0009725, OMIM 256030.

Allele frequency attached by ClinVar (database versions not stated): TOPMed 0.00002; gnomAD 0.00003; gnomAD exomes 0.00003 and 0.00010; ExAC 0.00004.
gnomAD v4.1: 156 of 1,613,828 alleles (0.0097%); highest among the groups gnomAD compares: Middle Eastern, 0.016%; no homozygotes.

Submissions (7):

Labcorp Genetics (formerly Invitae), Labcorp
Classification: Uncertain significance for Nemaline myopathy 2. Last evaluated: 2025-12-01. Review status: criteria provided, single submitter. Criteria: Invitae Variant Classification Sherloc (09022015). Collection method: clinical testing. Allele origin: germline.
Comment: This sequence change replaces alanine, which is neutral and non-polar, with threonine, which is neutral and polar, at codon 3411 of the NEB protein (p.Ala3411Thr). This variant is present in population databases (rs727504034, gnomAD 0.004%). This variant has not been reported in the literature in individuals affected with NEB-related conditions. ClinVar contains an entry for this variant (Variation ID: 167334). An algorithm developed to predict the effect of missense changes on protein structure and function outputs the following: PolyPhen-2: "Not Available". The threonine amino acid residue is found in multiple mammalian species, which suggests that this missense change does not adversely affect protein function. In summary, the available evidence is currently insufficient to determine the role of this variant in disease. Therefore, it has been classified as a Variant of Uncertain Significance.

Ambry Genetics
Classification: Uncertain significance for Inborn genetic diseases. Last evaluated: 2025-07-01. Review status: criteria provided, single submitter. Criteria: Ambry Variant Classification Scheme 2023. Collection method: clinical testing. Allele origin: germline.

Revvity Omics, Revvity
Classification: Uncertain significance. Last evaluated: 2024-07-02. Review status: criteria provided, single submitter. Criteria: ACMG Guidelines, 2015. Collection method: clinical testing. Allele origin: germline.

Blueprint Genetics
Classification: Uncertain significance. Last evaluated: 2023-07-11. Review status: criteria provided, single submitter. Criteria: ACMG Guidelines, 2015. Collection method: clinical testing. Allele origin: germline.

CeGaT Center for Human Genetics Tuebingen
Classification: Uncertain significance. Last evaluated: 2021-05-01. Review status: criteria provided, single submitter. Criteria: CeGaT Center For Human Genetics Tuebingen Variant Classification Criteria Version 2. Collection method: clinical testing. Allele origin: germline. Affected: yes. Observed: 1 variant allele.

Eurofins Ntd Llc (ga)
Classification: Uncertain significance. Last evaluated: 2014-02-20. Review status: criteria provided, single submitter. Criteria: EGL Classification Definitions 2015. Collection method: clinical testing. Allele origin: germline. Observed: 1 variant allele, 1 heterozygote.

Natera, Inc.
Classification: Uncertain significance for Nemaline myopathy type 2. Last evaluated: 2019-11-11. Review status: no assertion criteria provided. Collection method: clinical testing. Allele origin: germline. Not counted in ClinVar's aggregate classification.

NM_001164508.2(NEB):c.10231G>A (p.Ala3411Thr)

Gene: NEB (nebulin; minus strand). Cytogenetic location: 2q23.3.
Variant type: single nucleotide variant.
Coding change: c.10231G>A on transcript NM_001164508.2 (MANE Select); coding-DNA position 10231, G replaced by A.
Protein change: p.Ala3411Thr; replaces alanine 3411 with threonine.
Molecular consequence: missense variant.
Genome position (GRCh38, 1-based): chr2:151,627,118, C>T on the plus strand (G>A on the coding strand, the complement: NEB is on the minus strand). VCF-style: chr2-151627118-C-T. GRCh37 (hg19) VCF-style: chr2-152483632-C-T.
Other names: c.10231G>A, p.Ala3411Thr (NM_001164507.2, NM_001271208.2); c.9502G>A, p.Ala3168Thr (NM_004543.5); c.9502G>A (NM_004543.4); short protein forms A3168T, A3411T.
Identifiers: ClinVar variation 167334 (VCV000167334.49), dbSNP rs727504034, ClinGen allele CA234338.
Genomic context (GRCh38, chr2:151,627,118, plus strand): 5'-CACTGGTAAATTTCAGCTTGTCCGGAGGCTGGCGGTAGATGTTATCACTCAGTATTTCAG[C>T]AGCTCTCTTGCACTTGACCACATCCATAGACCCAATGGGGACCCAGCCAATGCCTCTCAG-3'
Protein context (NP_001157980.2, residues 3401-3421): SMDVVKCKRA[Ala3411Thr]EILSDNIYRQ